The following is an entry in ClinVar:

ClinVar aggregate classification (germline): Uncertain significance (1 of 4 stars; one submission).

Conditions:
Progressive sclerosing poliodystrophy (MTDPS4A). Also called: Mitochondrial DNA depletion syndrome 4A (Alpers type); ALPERS PROGRESSIVE INFANTILE POLIODYSTROPHY; NEURONAL DEGENERATION OF CHILDHOOD WITH LIVER DISEASE, PROGRESSIVE; Mitochondrial DNA Depletion Syndrome 4A; Alpers-Huttenlocher Syndrome (AHS); Alpers Syndrome. Identifiers: Orphanet 726, MedGen C0205710, MONDO:0008758, OMIM 203700.

Submission:

Labcorp Genetics (formerly Invitae), Labcorp
Classification: Uncertain significance for Progressive sclerosing poliodystrophy. Last evaluated: 2021-11-06. Review status: criteria provided, single submitter. Criteria: Invitae Variant Classification Sherloc (09022015). Collection method: clinical testing. Allele origin: germline.
Comment: This variant has not been reported in the literature in individuals affected with POLG-related conditions. This variant is not present in population databases (gnomAD no frequency). This sequence change replaces histidine, which is basic and polar, with aspartic acid, which is acidic and polar, at codon 828 of the POLG protein (p.His828Asp). Algorithms developed to predict the effect of missense changes on protein structure and function (SIFT, PolyPhen-2, Align-GVGD) all suggest that this variant is likely to be tolerated. In summary, the available evidence is currently insufficient to determine the role of this variant in disease. Therefore, it has been classified as a Variant of Uncertain Significance.

NM_002693.3(POLG):c.2482C>G (p.His828Asp)

Gene: POLG (DNA polymerase gamma, catalytic subunit; minus strand). Cytogenetic location: 15q26.1.
Variant type: single nucleotide variant.
Coding change: c.2482C>G on transcript NM_002693.3 (MANE Select); coding-DNA position 2482, C replaced by G.
Protein change: p.His828Asp; replaces histidine 828 with aspartic acid.
Molecular consequence: missense variant.
Genome position (GRCh38, 1-based): chr15:89,321,852, G>C on the plus strand (C>G on the coding strand, the complement: POLG is on the minus strand). VCF-style: chr15-89321852-G-C. GRCh37 (hg19) VCF-style: chr15-89865083-G-C.
Other names: c.2482C>G, p.His828Asp (NM_001126131.2); short protein forms H828D.
Identifiers: ClinVar variation 1501930 (VCV001501930.6), dbSNP rs2152061770, ClinGen allele CA393754803.
Genomic context (GRCh38, chr15:89,321,852, plus strand): 5'-CGGCAGTCACCACTTGGGGCAGGATGGCCCCATAGAGGCCTTCCTCATCATAGTCGGGGT[G>C]CCTGGTGGGGTGCAGGGGAAGGAAATGGGTCTTAGCAGGGTGCTTTGGCCTTAGGACCTA-3'
Protein context (NP_002684.1, residues 818-838): RSALPRAVIR[His828Asp]PDYDEEGLYG